The following is an entry in ClinVar:

ClinVar aggregate classification (germline): Uncertain significance (1 of 4 stars; one submission).

Conditions:
Psoriasis 2. Identifiers: MedGen C1864497, MONDO:0011269, OMIM 602723.
Pityriasis rubra pilaris (PRP). Also called: Pityriasis rubra pilaris--familial type. Identifiers: Orphanet 2897, MedGen C0032027, MONDO:0100017, OMIM 173200, MONDO:0008251.

Submission:

Labcorp Genetics (formerly Invitae), Labcorp
Classification: Uncertain significance for Pityriasis rubra pilaris; Psoriasis 2. Last evaluated: 2023-02-24. Review status: criteria provided, single submitter. Criteria: Invitae Variant Classification Sherloc (09022015). Collection method: clinical testing. Allele origin: germline.
Comment: In summary, the available evidence is currently insufficient to determine the role of this variant in disease. Therefore, it has been classified as a Variant of Uncertain Significance. Advanced modeling of protein sequence and biophysical properties (such as structural, functional, and spatial information, amino acid conservation, physicochemical variation, residue mobility, and thermodynamic stability) performed at Invitae indicates that this missense variant is expected to disrupt CARD14 protein function. This variant has not been reported in the literature in individuals affected with CARD14-related conditions. This variant is not present in population databases (gnomAD no frequency). This sequence change replaces aspartic acid, which is acidic and polar, with histidine, which is basic and polar, at codon 442 of the CARD14 protein (p.Asp442His).

NM_001366385.1(CARD14):c.1324G>C (p.Asp442His)

Gene: CARD14 (caspase recruitment domain family member 14; plus strand). Cytogenetic location: 17q25.3.
Variant type: single nucleotide variant.
Coding change: c.1324G>C on transcript NM_001366385.1 (MANE Select); coding-DNA position 1324, G replaced by C.
Protein change: p.Asp442His; replaces aspartic acid 442 with histidine.
Molecular consequence: missense variant. On other transcripts: non-coding transcript variant (1).
Genome position (GRCh38, 1-based): chr17:80,192,587, G>C. VCF-style: chr17-80192587-G-C. GRCh37 (hg19) VCF-style: chr17-78166386-G-C.
Other names: c.1324G>C, p.Asp442His (NM_001257970.1, NM_024110.4); c.613G>C, p.Asp205His (NM_052819.3); short protein forms D205H, D442H.
Identifiers: ClinVar variation 2939050 (VCV002939050.3), dbSNP rs868861597, ClinGen allele CA401347651.